The following is an entry in ClinVar:

ClinVar aggregate classification (germline): Benign (1 of 4 stars; one submission).

Allele frequency attached by ClinVar (database versions not stated): TOPMed 0.78346; gnomAD 0.78647 and 0.79418; 1000 Genomes Project 30x 0.79981; 1000 Genomes Project 0.80891.
gnomAD v4.1: 120,894 of 152,134 alleles (79%); highest among the groups gnomAD compares: East Asian, 95%; 49,411 homozygotes.

Submission:

GeneDx
Classification: Benign. Last evaluated: 2018-06-19. Review status: criteria provided, single submitter. Criteria: GeneDx Variant Classification (06012015). Collection method: clinical testing. Allele origin: germline. Affected: yes.
Comment: This variant is considered likely benign or benign based on one or more of the following criteria: it is a conservative change, it occurs at a poorly conserved position in the protein, it is predicted to be benign by multiple in silico algorithms, and/or has population frequency not consistent with disease.

NM_001918.5(DBT):c.433+300T>G

Gene: DBT (dihydrolipoamide branched chain transacylase E2; minus strand). Cytogenetic location: 1p21.2.
Variant type: single nucleotide variant.
Coding change: c.433+300T>G on transcript NM_001918.5 (MANE Select); 300 bases into the intron after coding-DNA position 433, T replaced by G.
Molecular consequence: intron variant.
Genome position (GRCh38, 1-based): chr1:100,230,433, A>C on the plus strand (T>G on the coding strand, the complement: DBT is on the minus strand). VCF-style: chr1-100230433-A-C. GRCh37 (hg19) VCF-style: chr1-100695989-A-C.
Identifiers: ClinVar variation 681219 (VCV000681219.1), dbSNP rs6681747, ClinGen allele CA10811896.